The following is an entry in ClinVar:

ClinVar aggregate classification (germline): Uncertain significance (1 of 4 stars; one submission).

gnomAD v4.1: 2 of 1,603,470 alleles (0.00012%); highest among the groups gnomAD compares: Admixed American, 0.0017%; no homozygotes.

Submission:

Labcorp Genetics (formerly Invitae), Labcorp
Classification: Uncertain significance. Last evaluated: 2022-02-05. Review status: criteria provided, single submitter. Criteria: Invitae Variant Classification Sherloc (09022015). Collection method: clinical testing. Allele origin: germline.
Comment: In summary, the available evidence is currently insufficient to determine the role of this variant in disease. Therefore, it has been classified as a Variant of Uncertain Significance. Algorithms developed to predict the effect of sequence changes on RNA splicing suggest that this variant may disrupt the consensus splice site. This variant has not been reported in the literature in individuals affected with CLUAP1-related conditions. This variant is not present in population databases (gnomAD no frequency). This sequence change affects a donor splice site in intron 9 of the CLUAP1 gene. It is expected to disrupt RNA splicing. Variants that disrupt the donor or acceptor splice site typically lead to a loss of protein function (PMID: 16199547), however the current clinical and genetic evidence is not sufficient to establish whether loss-of-function variants in CLUAP1 cause disease.

Literature cited by the submitters: PubMed 16199547.

NM_015041.3(CLUAP1):c.928+1G>A

Gene: CLUAP1 (clusterin associated protein 1; plus strand). Cytogenetic location: 16p13.3.
Variant type: single nucleotide variant.
Coding change: c.928+1G>A on transcript NM_015041.3 (MANE Select); the canonical splice donor site of the intron after coding-DNA position 928, G replaced by A.
Molecular consequence: splice donor variant.
Genome position (GRCh38, 1-based): chr16:3,526,485, G>A. VCF-style: chr16-3526485-G-A. GRCh37 (hg19) VCF-style: chr16-3576485-G-A.
Other names: c.928+1G>A (NM_001330454.2); c.430+1G>A (NM_024793.3).
Identifiers: ClinVar variation 1418080 (VCV001418080.8), dbSNP rs2151063706, ClinGen allele CA394514887.